The following is an entry in ClinVar:

NM_000088.4(COL1A1):c.3621G>T (p.Glu1207Asp)

Gene: COL1A1 (collagen type I alpha 1 chain; minus strand). Cytogenetic location: 17q21.33.
Variant type: single nucleotide variant.
Coding change: c.3621G>T on transcript NM_000088.4 (MANE Select); coding-DNA position 3621, G replaced by T.
Protein change: p.Glu1207Asp; replaces glutamic acid 1207 with aspartic acid.
Molecular consequence: missense variant.
Genome position (GRCh38, 1-based): chr17:50,186,833, C>A on the plus strand (G>T on the coding strand, the complement: COL1A1 is on the minus strand). VCF-style: chr17-50186833-C-A. GRCh37 (hg19) VCF-style: chr17-48264194-C-A.
Other names: short protein forms E1207D.
Identifiers: ClinVar variation 4707334 (VCV004707334.1).

ClinVar aggregate classification (germline): Uncertain significance (1 of 4 stars; one submission).

Conditions:
Osteogenesis imperfecta type I (OI1). Also called: OI, TYPE I; OSTEOGENESIS IMPERFECTA TARDA; OSTEOGENESIS IMPERFECTA WITH BLUE SCLERAE; Osteogenesis imperfecta type 1; Classic Non-deforming Osteogenesis Imperfecta with Blue Sclerae; Lobstein's Disease. Identifiers: Orphanet 216796, Orphanet 666, MedGen C0023931, MONDO:0008146, OMIM 166200. Disease mechanism: loss of function.

Submission:

Labcorp Genetics (formerly Invitae), Labcorp
Classification: Uncertain significance for Osteogenesis imperfecta type I. Last evaluated: 2025-09-23. Review status: criteria provided, single submitter. Criteria: Invitae Variant Classification Sherloc (09022015). Collection method: clinical testing. Allele origin: germline.
Comment: This sequence change replaces glutamic acid, which is acidic and polar, with aspartic acid, which is acidic and polar, at codon 1207 of the COL1A1 protein (p.Glu1207Asp). This variant is not present in population databases (gnomAD no frequency). This variant has not been reported in the literature in individuals affected with COL1A1-related conditions. Invitae Evidence Modeling of protein sequence and biophysical properties (such as structural, functional, and spatial information, amino acid conservation, physicochemical variation, residue mobility, and thermodynamic stability) indicates that this missense variant is not expected to disrupt COL1A1 protein function with a negative predictive value of 95%. In summary, the available evidence is currently insufficient to determine the role of this variant in disease. Therefore, it has been classified as a Variant of Uncertain Significance.